The following is an entry in ClinVar:

ClinVar aggregate classification (germline): Uncertain significance (1 of 4 stars; one submission).

Submission:

GeneDx
Classification: Uncertain significance. Last evaluated: 2026-07-13. Review status: criteria provided, single submitter. Criteria: GeneDx Variant Classification Process June 2021. Collection method: clinical testing. Allele origin: germline.
Comment: Not observed at significant frequency in large population cohorts (gnomAD); In silico analysis indicates that this missense variant does not alter protein structure/function; Has not been previously published as pathogenic or benign to our knowledge

NM_001128840.3(CACNA1D):c.5903A>C (p.Lys1968Thr)

Gene: CACNA1D (calcium voltage-gated channel subunit alpha1 D; plus strand). Cytogenetic location: 3p21.1.
Variant type: single nucleotide variant.
Coding change: c.5903A>C on transcript NM_001128840.3 (MANE Select); coding-DNA position 5903, A replaced by C.
Protein change: p.Lys1968Thr; replaces lysine 1968 with threonine.
Molecular consequence: missense variant.
Genome position (GRCh38, 1-based): chr3:53,810,009, A>C. VCF-style: chr3-53810009-A-C. GRCh37 (hg19) VCF-style: chr3-53844036-A-C.
Other names: c.5963A>C, p.Lys1988Thr (NM_000720.4); c.5831A>C, p.Lys1944Thr (NM_001128839.3); short protein forms K1944T, K1968T, K1988T.
Identifiers: ClinVar variation 4282305 (VCV004282305.2).